The following is an entry in ClinVar:

ClinVar aggregate classification (germline): Uncertain significance (1 of 4 stars; one submission).

Conditions:
Ehlers-Danlos syndrome, dermatosparaxis type. Also called: Dermatosparaxis; Ehlers-Danlos syndrome, type VII, autosomal recessive; EDS VIIC. Identifiers: Orphanet 1901, MedGen C2700425, MONDO:0009161, OMIM 225410.

Submission:

Labcorp Genetics (formerly Invitae), Labcorp
Classification: Uncertain significance for Ehlers-Danlos syndrome, dermatosparaxis type. Last evaluated: 2022-06-08. Review status: criteria provided, single submitter. Criteria: Invitae Variant Classification Sherloc (09022015). Collection method: clinical testing. Allele origin: germline.
Comment: In summary, the available evidence is currently insufficient to determine the role of this variant in disease. Therefore, it has been classified as a Variant of Uncertain Significance. Experimental studies and prediction algorithms are not available or were not evaluated, and the functional significance of this variant is currently unknown. This variant has not been reported in the literature in individuals affected with ADAMTS2-related conditions. This variant is a gross deletion of the genomic region encompassing exon(s) 6-22 of the ADAMTS2 gene, which includes the termination codon. This deletion extends beyond the assayed region for this gene and therefore may encompass additional genes. While this deletion is not anticipated to lead to nonsense mediated decay, it is expected to alter mRNA translation or result in a truncated protein product.

NC_000005.9:g.(?_178408658)_(178585900_?)del

Genes: ZNF354C (zinc finger protein 354C; plus strand), ADAMTS2 (ADAM metallopeptidase with thrombospondin type 1 motif 2; minus strand), GRM6 (glutamate metabotropic receptor 6; minus strand), ZNF879 (zinc finger protein 879; plus strand). Cytogenetic location: 5q35.3.
Variant type: Deletion.
Identifiers: ClinVar variation 2425920 (VCV002425920.6).